The following is an entry in ClinVar:

NM_006929.5(SKIC2):c.589G>A (p.Ala197Thr)

Gene: SKIC2 (SKI2 subunit of superkiller complex; plus strand). Cytogenetic location: 6p21.33.
Variant type: single nucleotide variant.
Coding change: c.589G>A on transcript NM_006929.5 (MANE Select); coding-DNA position 589, G replaced by A.
Protein change: p.Ala197Thr; replaces alanine 197 with threonine.
Molecular consequence: missense variant.
Genome position (GRCh38, 1-based): chr6:31,961,085, G>A. VCF-style: chr6-31961085-G-A. GRCh37 (hg19) VCF-style: chr6-31928862-G-A.
Other names: short protein forms A197T.
Identifiers: ClinVar variation 2056871 (VCV002056871.4), dbSNP rs754049144, ClinGen allele CA3729213.

ClinVar aggregate classification (germline): Uncertain significance (1 of 4 stars; one submission).

Allele frequency attached by ClinVar (database versions not stated): ExAC 0.00003; gnomAD exomes below 0.00001; TOPMed 0.00001.
gnomAD v4.1: 6 of 1,613,398 alleles (0.00037%); highest among the groups gnomAD compares: Non-Finnish European, 0.00042%; no homozygotes.

Submission:

Labcorp Genetics (formerly Invitae), Labcorp
Classification: Uncertain significance. Last evaluated: 2023-09-01. Review status: criteria provided, single submitter. Criteria: Invitae Variant Classification Sherloc (09022015). Collection method: clinical testing. Allele origin: germline.
Comment: In summary, the available evidence is currently insufficient to determine the role of this variant in disease. Therefore, it has been classified as a Variant of Uncertain Significance. Algorithms developed to predict the effect of missense changes on protein structure and function output the following: SIFT: "Not Available"; PolyPhen-2: "Benign"; Align-GVGD: "Not Available". The threonine amino acid residue is found in multiple mammalian species, which suggests that this missense change does not adversely affect protein function. ClinVar contains an entry for this variant (Variation ID: 2056871). This variant has not been reported in the literature in individuals affected with SKIV2L-related conditions. This variant is present in population databases (rs754049144, gnomAD 0.003%). This sequence change replaces alanine, which is neutral and non-polar, with threonine, which is neutral and polar, at codon 197 of the SKIV2L protein (p.Ala197Thr).